The following is an entry in ClinVar:

NM_015338.6(ASXL1):c.2407C>G (p.Gln803Glu)

Gene: ASXL1 (ASXL transcriptional regulator 1; plus strand). Cytogenetic location: 20q11.21.
Variant type: single nucleotide variant.
Coding change: c.2407C>G on transcript NM_015338.6 (MANE Select); coding-DNA position 2407, C replaced by G.
Protein change: p.Gln803Glu; replaces glutamine 803 with glutamic acid.
Molecular consequence: missense variant.
Genome position (GRCh38, 1-based): chr20:32,435,119, C>G. VCF-style: chr20-32435119-C-G. GRCh37 (hg19) VCF-style: chr20-31022922-C-G.
Other names: c.2224C>G, p.Gln742Glu (NM_001363734.1); short protein forms Q803E, Q742E.
Identifiers: ClinVar variation 4158687 (VCV004158687.1).

ClinVar aggregate classification (germline): Uncertain significance (1 of 4 stars; one submission).

Conditions:
Inborn genetic diseases. Identifiers: MedGen C0950123, MeSH D030342.

Submission:

Ambry Genetics
Classification: Uncertain significance for Inborn genetic diseases. Last evaluated: 2025-08-05. Review status: criteria provided, single submitter. Criteria: Ambry Variant Classification Scheme 2023. Collection method: clinical testing. Allele origin: germline.
Comment: The p.Q803E variant (also known as c.2407C>G), located in coding exon 13 of the ASXL1 gene, results from a C to G substitution at nucleotide position 2407. The glutamine at codon 803 is replaced by glutamic acid, an amino acid with highly similar properties. This amino acid position is conserved. In addition, this alteration is predicted to be tolerated by in silico analysis. Based on the available evidence, the clinical significance of this variant remains unclear.